The following is an entry in ClinVar:

NM_001854.4(COL11A1):c.3358G>A (p.Gly1120Ser)

Gene: COL11A1 (collagen type XI alpha 1 chain; minus strand). Cytogenetic location: 1p21.1.
Variant type: single nucleotide variant.
Coding change: c.3358G>A on transcript NM_001854.4 (MANE Select); coding-DNA position 3358, G replaced by A.
Protein change: p.Gly1120Ser; replaces glycine 1120 with serine.
Molecular consequence: missense variant. On other transcripts: non-coding transcript variant (1).
Genome position (GRCh38, 1-based): chr1:102,940,353, C>T on the plus strand (G>A on the coding strand, the complement: COL11A1 is on the minus strand). VCF-style: chr1-102940353-C-T. GRCh37 (hg19) VCF-style: chr1-103405909-C-T.
Other names: p.Gly1120Ser; c.3241G>A, p.Gly1081Ser (NM_001190709.2); c.3394G>A, p.Gly1132Ser (NM_080629.3); c.3010G>A, p.Gly1004Ser (NM_080630.4); short protein forms G1132S, G1120S, G1004S, G1081S.
Identifiers: ClinVar variation 291517 (VCV000291517.24), dbSNP rs370589018, ClinGen allele CA974055.
Genomic context (GRCh38, chr1:102,940,353, plus strand): 5'-ACAGGATCTACTAACACGAATAATGAATACCAACCTTGTCTCCGTCTTCCCCAGGGGAGC[C>T]GGCAGGACCAGCTGGCCCTGGGAGACCAACAGGACCTTGAACTCCATCTCTCCCTGCAGG-3'
Protein context (NP_001845.3, residues 1110-1130): VGLPGPAGPA[Gly1120Ser]SPGEDGDKGE

ClinVar aggregate classification (germline): Uncertain significance. Review status: criteria provided, multiple submitters, no conflicts (2 of 4 stars). 10 submissions from 9 submitters: Uncertain significance (10). Last evaluated 2026-05-12.

Conditions:
COL11A1-related disorder. Also called: COL11A1-related condition; COL11A1-related disorders.
Inborn genetic diseases. Identifiers: MedGen C0950123, MeSH D030342.
Fibrochondrogenesis 1 (FBCG1). Identifiers: Orphanet 2021, MedGen C3278138, MONDO:0009226, OMIM 228520.
Stickler syndrome type 2 (STL2). Also called: STICKLER SYNDROME, BEADED VITREOUS TYPE; STICKLER SYNDROME, VITREOUS TYPE 2; COL11A1-Related Stickler Syndrome; STICKLER SYNDROME, TYPE II. Identifiers: Orphanet 828, Orphanet 90654, MedGen C1858084, MONDO:0011493, OMIM 604841.

Allele frequency attached by ClinVar (database versions not stated): ExAC 0.00002; gnomAD exomes 0.00004 and 0.00014; TOPMed 0.00005; gnomAD 0.00006; ESP Exome Variant Server 0.00008.
gnomAD v4.1: 225 of 1,613,800 alleles (0.014%); highest among the groups gnomAD compares: Non-Finnish European, 0.018%; 1 homozygote.

Submissions (10):

PreventionGenetics, part of Exact Sciences
Classification: Uncertain significance for COL11A1-related condition. Last evaluated: 2026-05-12. Review status: criteria provided, single submitter. Criteria: ACMG Guidelines, 2015. Collection method: clinical testing. Allele origin: germline.
Comment: The COL11A1 c.3358G>A variant is predicted to result in the amino acid substitution p.Gly1120Ser. This variant was reported in the compound heterozygous state an individual with fibrochondrogenesis (Li et al. 2023. PubMed ID: 36972944). This variant is reported in 0.0070% of alleles in individuals of European (Non-Finnish) descent in gnomAD. At this time, the clinical significance of this variant is uncertain due to the absence of conclusive functional and genetic evidence.

Labcorp Genetics (formerly Invitae), Labcorp
Classification: Uncertain significance. Last evaluated: 2026-01-23. Review status: criteria provided, single submitter. Criteria: Invitae Variant Classification Sherloc (09022015). Collection method: clinical testing. Allele origin: germline.
Comment: This sequence change replaces glycine, which is neutral and non-polar, with serine, which is neutral and polar, at codon 1120 of the COL11A1 protein (p.Gly1120Ser). This variant is present in population databases (rs370589018, gnomAD 0.007%). This missense change has been observed in individual(s) with fibrocartilage hyperplasia type 1 (PMID: 36972944). In at least one individual the data is consistent with being in trans (on the opposite chromosome) from a pathogenic variant. ClinVar contains an entry for this variant (Variation ID: 291517). Invitae Evidence Modeling of protein sequence and biophysical properties (such as structural, functional, and spatial information, amino acid conservation, physicochemical variation, residue mobility, and thermodynamic stability) indicates that this missense variant is expected to disrupt COL11A1 protein function with a positive predictive value of 80%. In summary, the available evidence is currently insufficient to determine the role of this variant in disease. Therefore, it has been classified as a Variant of Uncertain Significance.

CeGaT Center for Human Genetics Tuebingen
Classification: Uncertain significance. Last evaluated: 2026-01-01. Review status: criteria provided, single submitter. Criteria: CeGaT Center For Human Genetics Tuebingen Variant Classification Criteria Version 2. Collection method: clinical testing. Allele origin: germline. Affected: yes. Observed: 1 variant allele.
Comment: COL11A1: PP3

GeneDx
Classification: Uncertain significance. Last evaluated: 2025-06-09. Review status: criteria provided, single submitter. Criteria: GeneDx Variant Classification Process June 2021. Collection method: clinical testing. Allele origin: germline. Affected: yes.
Comment: Observed with a pathogenic variant on the opposite allele (in trans) in a patient with fibrochondrogenesis in published literature (PMID: 36972944), however, the publication is not in English nor available for review; In silico analysis supports that this missense variant has a deleterious effect on protein structure/function; This variant is associated with the following publications: (PMID: 36972944, 25240749, 24077912)

Mayo Clinic Laboratories, Mayo Clinic
Classification: Uncertain significance. Last evaluated: 2024-08-06. Review status: criteria provided, single submitter. Criteria: ACMG Guidelines, 2015. Collection method: clinical testing. Allele origin: germline. Observed: 2 variant alleles.
Comment: PP3, PM3

Blueprint Genetics
Classification: Uncertain significance. Last evaluated: 2022-11-30. Review status: criteria provided, single submitter. Criteria: ACMG Guidelines, 2015. Collection method: clinical testing. Allele origin: germline.

Ambry Genetics
Classification: Uncertain significance for Inborn genetic diseases. Last evaluated: 2022-10-12. Review status: criteria provided, single submitter. Criteria: Ambry Variant Classification Scheme 2023. Collection method: clinical testing. Allele origin: germline.

Revvity Omics, Revvity
Classification: Uncertain significance. Last evaluated: 2020-04-10. Review status: criteria provided, single submitter. Criteria: ACMG Guidelines, 2015. Collection method: clinical testing. Allele origin: germline.

Illumina Laboratory Services, Illumina
Classification: Uncertain significance for Fibrochondrogenesis 1. Last evaluated: 2018-01-13. Review status: criteria provided, single submitter. Criteria: ICSL Variant Classification Criteria 13 December 2019. Collection method: clinical testing. Allele origin: germline.

Illumina Laboratory Services, Illumina
Classification: Uncertain significance for Stickler syndrome type 2. Last evaluated: 2018-01-13. Review status: criteria provided, single submitter. Criteria: ICSL Variant Classification Criteria 13 December 2019. Collection method: clinical testing. Allele origin: germline.

Literature cited by the submitters: PubMed 36972944 (cited by Labcorp Genetics (formerly Invitae), Labcorp and Mayo Clinic Laboratories, Mayo Clinic).